The following is an entry in ClinVar:

NM_001113491.2(SEPTIN9):c.914-4C>T

Gene: SEPTIN9 (septin 9; plus strand). Cytogenetic location: 17q25.3.
Variant type: single nucleotide variant.
Coding change: c.914-4C>T on transcript NM_001113491.2 (MANE Select); 4 bases into the intron before coding-DNA position 914, C replaced by T.
Molecular consequence: intron variant.
Genome position (GRCh38, 1-based): chr17:77,487,420, C>T. VCF-style: chr17-77487420-C-T. GRCh37 (hg19) VCF-style: chr17-75483502-C-T.
Other names: c.857-4C>T (NM_001293695.2); c.422-4C>T (NM_001113492.2, NM_001113494.1); c.860-4C>T (NM_006640.5); c.893-4C>T (NM_001113493.2); c.242-4C>T (NM_001293696.2); c.161-4C>T (NM_001113496.2, NM_001293697.2, NM_001293698.2 and 1 more transcripts).
Identifiers: ClinVar variation 325551 (VCV000325551.45), dbSNP rs199809734, ClinGen allele CA8793608.
Genomic context (GRCh38, chr17:77,487,420, plus strand): 5'-CCATGTGCAGACCCTGCTGGTCTCTCCGGAGAGACCCCTGACCGGCCTCCCATCCTCTCC[C>T]CAGGGCAGAGCGGCTTGGGTAAATCCACCTTAATCAACACCCTCTTCAAATCCAAAATCA-3'

ClinVar aggregate classification (germline): Benign/Likely benign. Review status: criteria provided, multiple submitters, no conflicts (2 of 4 stars). 8 submissions from 8 submitters: Benign (5); Likely benign (1). 2 of the submissions do not count toward it. Last evaluated 2026-02-03.

Conditions:
Amyotrophic neuralgia (HNA). Also called: AMYOTROPHY, HEREDITARY NEURALGIC, WITH PREDILECTION FOR BRACHIAL PLEXUS; Hereditary Brachial Plexus Neuropathy; Neuritis with Brachial Predilection; AMYOTROPHY, HEREDITARY NEURALGIC. Identifiers: Orphanet 2901, MedGen C1834304, MONDO:0008076, OMIM 162100.

Allele frequency attached by ClinVar (database versions not stated): 1000 Genomes Project 30x 0.00016; 1000 Genomes Project 0.00020; gnomAD exomes 0.00061; ESP Exome Variant Server 0.00066; gnomAD 0.00068 and 0.00070; TOPMed 0.00071; ExAC 0.00128.
gnomAD v4.1: 1,817 of 1,598,226 alleles (0.11%); highest among the groups gnomAD compares: Non-Finnish European, 0.14%; no homozygotes.

Submissions (8):

Labcorp Genetics (formerly Invitae), Labcorp
Classification: Benign. Last evaluated: 2026-02-03. Review status: criteria provided, single submitter. Criteria: Invitae Variant Classification Sherloc (09022015). Collection method: clinical testing. Allele origin: germline.

Blueprint Genetics
Classification: Likely benign. Last evaluated: 2024-11-20. Review status: criteria provided, single submitter. Criteria: ACMG Guidelines, 2015. Collection method: clinical testing. Allele origin: germline.

CeGaT Center for Human Genetics Tuebingen
Classification: Benign. Last evaluated: 2023-05-01. Review status: criteria provided, single submitter. Criteria: CeGaT Center For Human Genetics Tuebingen Variant Classification Criteria Version 2. Collection method: clinical testing. Allele origin: germline. Affected: yes. Observed: 1 variant allele.
Comment: SEPTIN9: BP4, BS1, BS2

Genome-Nilou Lab
Classification: Benign for Amyotrophic neuralgia. Last evaluated: 2021-12-05. Review status: criteria provided, single submitter. Criteria: ACMG Guidelines, 2015. Collection method: clinical testing. Allele origin: germline. Affected: no.

GeneDx
Classification: Benign. Last evaluated: 2019-10-11. Review status: criteria provided, single submitter. Criteria: GeneDx Variant Classification Process June 2021. Collection method: clinical testing. Allele origin: germline. Affected: yes.

Illumina Laboratory Services, Illumina
Classification: Benign for Amyotrophy, hereditary neuralgic. Last evaluated: 2018-01-13. Review status: criteria provided, single submitter. Criteria: ICSL Variant Classification Criteria 13 December 2019. Collection method: clinical testing. Allele origin: germline.
Comment: This variant was observed in the ICSL laboratory as part of a predisposition screen in an ostensibly healthy population. It had not been previously curated by ICSL or reported in the Human Gene Mutation Database (HGMD: prior to June 1st, 2018), and was therefore a candidate for classification through an automated scoring system. Utilizing variant allele frequency, disease prevalence and penetrance estimates, and inheritance mode, an automated score was calculated to assess if this variant is too frequent to cause the disease. Based on the score and internal cut-off values, a variant classified as benign is not then subjected to further curation. The score for this variant resulted in a classification of benign for this disease.

Clinical Genetics, Academic Medical Center
Classification: Likely benign. Review status: no assertion criteria provided. Collection method: clinical testing. Allele origin: germline. Affected: yes. Study: VKGL Data-share Consensus. Not counted in ClinVar's aggregate classification.

Genome Diagnostics Laboratory, University Medical Center Utrecht
Classification: Likely benign. Review status: no assertion criteria provided. Collection method: clinical testing. Allele origin: germline. Affected: yes. Study: VKGL Data-share Consensus. Not counted in ClinVar's aggregate classification.